The following is an entry in ClinVar:

ClinVar aggregate classification (germline): Conflicting classifications of pathogenicity. Review status: criteria provided, conflicting classifications (1 of 4 stars). 3 submissions from 3 submitters: Uncertain significance (1); Likely benign (1). 1 of the submissions does not count toward it. Last evaluated 2026-02-02.

Conditions:
Early-infantile DEE. Also called: Ohtahara syndrome; Early infantile epileptic encephalopathy with suppression bursts; Early infantile epileptic encephalopathy. Identifiers: Orphanet 1934, MedGen C0393706, MONDO:0800491.
CACNA2D2-related disorder. Also called: CACNA2D2-related condition.
Cerebellar atrophy with seizures and variable developmental delay. Identifiers: MedGen C5193132, MONDO:0032788, OMIM 618501.

Allele frequency attached by ClinVar (database versions not stated): TOPMed 0.00002; gnomAD 0.00003.
gnomAD v4.1: 19 of 1,613,930 alleles (0.0012%); highest among the groups gnomAD compares: Admixed American, 0.02%; no homozygotes.

Submissions (3):

Labcorp Genetics (formerly Invitae), Labcorp
Classification: Likely benign for Early-infantile DEE. Last evaluated: 2026-02-02. Review status: criteria provided, single submitter. Criteria: Invitae Variant Classification Sherloc (09022015). Collection method: clinical testing. Allele origin: germline.

Center for Genomics, Ann and Robert H. Lurie Children's Hospital of Chicago
Classification: Uncertain significance for Cerebellar atrophy with seizures and variable developmental delay. Last evaluated: 2021-03-30. Review status: criteria provided, single submitter. Criteria: ACMG Guidelines, 2015. Collection method: clinical testing. Allele origin: germline.
Comment: CACNA2D2 NM_006030.3 exon 9 p.Ser287Ser (c.861G>C): This variant has not been reported in the literature but is present in 5/33578 Latino alleles in the Genome Aggregation Database. Evolutionary conservation and computational predictive tools for this variant are limited or unavailable. Of note, this variant is a silent variant and does not change the amino acid, reducing the probability that this variant is disease causing. In summary, data on this variant is insufficient for disease classification. Therefore, the clinical significance of this variant is uncertain.

PreventionGenetics, part of Exact Sciences
Classification: Likely benign for CACNA2D2-related condition. Last evaluated: 2019-05-01. Review status: no assertion criteria provided. Collection method: clinical testing. Allele origin: germline. Not counted in ClinVar's aggregate classification.
Comment: This variant is classified as likely benign based on ACMG/AMP sequence variant interpretation guidelines (Richards et al. 2015 PMID: 25741868, with internal and published modifications).

NM_006030.4(CACNA2D2):c.861G>C (p.Ser287=)

Gene: CACNA2D2 (calcium voltage-gated channel auxiliary subunit alpha2delta 2; minus strand). Cytogenetic location: 3p21.31.
Variant type: single nucleotide variant.
Coding change: c.861G>C on transcript NM_006030.4 (MANE Select); coding-DNA position 861, G replaced by C.
Protein change: p.Ser287=; no amino-acid change (serine 287 retained).
Molecular consequence: synonymous variant.
Genome position (GRCh38, 1-based): chr3:50,380,000, C>G on the plus strand (G>C on the coding strand, the complement: CACNA2D2 is on the minus strand). VCF-style: chr3-50380000-C-G. GRCh37 (hg19) VCF-style: chr3-50417431-C-G.
Other names: c.861G>C (NM_006030.3); c.861G>C, p.Ser287= (NM_001005505.3, NM_001174051.3); c.654G>C, p.Ser218= (NM_001291101.1).
Identifiers: ClinVar variation 626071 (VCV000626071.13), dbSNP rs771844125, ClinGen allele CA2419048.